The following is an entry in ClinVar:

NM_001655.5(ARCN1):c.26G>A (p.Cys9Tyr)

Gene: ARCN1 (archain 1 coat protein complex I subunit delta; plus strand). Cytogenetic location: 11q23.3.
Variant type: single nucleotide variant.
Coding change: c.26G>A on transcript NM_001655.5 (MANE Select); coding-DNA position 26, G replaced by A.
Protein change: p.Cys9Tyr; replaces cysteine 9 with tyrosine.
Molecular consequence: missense variant. On other transcripts: intron variant (1).
Genome position (GRCh38, 1-based): chr11:118,581,268, G>A. VCF-style: chr11-118581268-G-A. GRCh37 (hg19) VCF-style: chr11-118451983-G-A.
Other names: c.4-1911G>A (NM_001142281.2); short protein forms C9Y.
Identifiers: ClinVar variation 2122823 (VCV002122823.4), dbSNP rs2497674701, ClinGen allele CA382800693.

ClinVar aggregate classification (germline): Uncertain significance (1 of 4 stars; one submission).

Allele frequency attached by ClinVar (database versions not stated): gnomAD exomes below 0.00001.
gnomAD v4.1: 1 of 1,614,252 alleles (0.000062%); highest among the groups gnomAD compares: Non-Finnish European, 0.000085%; no homozygotes.

Submission:

Labcorp Genetics (formerly Invitae), Labcorp
Classification: Uncertain significance. Last evaluated: 2022-04-08. Review status: criteria provided, single submitter. Criteria: Invitae Variant Classification Sherloc (09022015). Collection method: clinical testing. Allele origin: germline.
Comment: This sequence change replaces cysteine, which is neutral and slightly polar, with tyrosine, which is neutral and polar, at codon 9 of the ARCN1 protein (p.Cys9Tyr). This variant is not present in population databases (gnomAD no frequency). This variant has not been reported in the literature in individuals affected with ARCN1-related conditions. Algorithms developed to predict the effect of missense changes on protein structure and function are either unavailable or do not agree on the potential impact of this missense change (SIFT: "Deleterious"; PolyPhen-2: "Probably Damaging"; Align-GVGD: "Class C0"). In summary, the available evidence is currently insufficient to determine the role of this variant in disease. Therefore, it has been classified as a Variant of Uncertain Significance.